The following is an entry in ClinVar:

NM_000465.4(BARD1):c.493A>G (p.Thr165Ala)

Gene: BARD1 (BRCA1 associated RING domain 1; minus strand). Cytogenetic location: 2q35.
Variant type: single nucleotide variant.
Coding change: c.493A>G on transcript NM_000465.4 (MANE Select); coding-DNA position 493, A replaced by G.
Protein change: p.Thr165Ala; replaces threonine 165 with alanine.
Molecular consequence: missense variant. On other transcripts: non-coding transcript variant (2), intron variant (3).
Genome position (GRCh38, 1-based): chr2:214,781,381, T>C on the plus strand (A>G on the coding strand, the complement: BARD1 is on the minus strand). VCF-style: chr2-214781381-T-C. GRCh37 (hg19) VCF-style: chr2-215646105-T-C.
Other names: c.436A>G, p.Thr146Ala (NM_001282543.2); c.158+28031A>G (NM_001282548.2); c.215+15680A>G (NM_001282545.2); c.364+10916A>G (NM_001282549.2); short protein forms T146A, T165A.
Identifiers: ClinVar variation 844885 (VCV000844885.13), dbSNP rs876658147, ClinGen allele CA350457530.

ClinVar aggregate classification (germline): Conflicting classifications of pathogenicity. Review status: criteria provided, conflicting classifications (1 of 4 stars). 3 submissions from 3 submitters: Uncertain significance (2); Likely benign (1). Last evaluated 2025-02-03.

Conditions:
Familial cancer of breast. Also called: hereditary breast carcinoma; Hereditary breast cancer; BREAST CANCER, FAMILIAL. Identifiers: Orphanet 227535, MedGen C0346153, MONDO:0016419, OMIM 114480. Disease mechanism: loss of function.
Hereditary cancer-predisposing syndrome. Also called: Tumor predisposition; Hereditary neoplastic syndrome; Neoplastic Syndromes, Hereditary; Hereditary Cancer Syndrome. Identifiers: Orphanet 140162, MedGen C0027672, MeSH D009386, MONDO:0015356.

Allele frequency attached by ClinVar (database versions not stated): TOPMed below 0.00001; gnomAD 0.00001.
gnomAD v4.1: 1 of 1,613,552 alleles (0.000062%); highest among the groups gnomAD compares: Admixed American, 0.0017%; no homozygotes.

Submissions (3):

Labcorp Genetics (formerly Invitae), Labcorp
Classification: Uncertain significance for Familial cancer of breast. Last evaluated: 2025-02-03. Review status: criteria provided, single submitter. Criteria: Invitae Variant Classification Sherloc (09022015). Collection method: clinical testing. Allele origin: germline.
Comment: This sequence change replaces threonine, which is neutral and polar, with alanine, which is neutral and non-polar, at codon 165 of the BARD1 protein (p.Thr165Ala). This variant is not present in population databases (gnomAD no frequency). This missense change has been observed in individual(s) with breast cancer (PMID: 35980532). ClinVar contains an entry for this variant (Variation ID: 844885). An algorithm developed to predict the effect of missense changes on protein structure and function (PolyPhen-2) suggests that this variant is likely to be disruptive. Experimental studies have shown that this missense change does not substantially affect BARD1 function (PMID: 16651405). In summary, the available evidence is currently insufficient to determine the role of this variant in disease. Therefore, it has been classified as a Variant of Uncertain Significance.

Ambry Genetics
Classification: Likely benign for Hereditary cancer-predisposing syndrome. Last evaluated: 2024-05-23. Review status: criteria provided, single submitter. Criteria: Ambry Variant Classification Scheme 2023. Collection method: clinical testing. Allele origin: germline.

GeneDx
Classification: Uncertain significance. Last evaluated: 2022-03-15. Review status: criteria provided, single submitter. Criteria: GeneDx Variant Classification Process June 2021. Collection method: clinical testing. Allele origin: germline. Affected: yes.
Comment: Not observed at significant frequency in large population cohorts (gnomAD); In silico analysis supports that this missense variant does not alter protein structure/function; Published functional studies demonstrate normal levels of phosphorylation pre- and post-DNA damage (Kim 2006); This variant is associated with the following publications: (PMID: 16651405)

Literature cited by the submitters: PubMed 35980532 (cited by Labcorp Genetics (formerly Invitae), Labcorp); PubMed 16651405 (cited by Labcorp Genetics (formerly Invitae), Labcorp).